The following is an entry in ClinVar:

NM_000093.5(COL5A1):c.71T>A (p.Leu24Gln)

Gene: COL5A1 (collagen type V alpha 1 chain; plus strand). Cytogenetic location: 9q34.3.
Variant type: single nucleotide variant.
Coding change: c.71T>A on transcript NM_000093.5 (MANE Select); coding-DNA position 71, T replaced by A.
Protein change: p.Leu24Gln; replaces leucine 24 with glutamine.
Molecular consequence: missense variant.
Genome position (GRCh38, 1-based): chr9:134,642,258, T>A. VCF-style: chr9-134642258-T-A. GRCh37 (hg19) VCF-style: chr9-137534104-T-A.
Other names: c.71T>A, p.Leu24Gln (NM_001278074.1); short protein forms L24Q.
Identifiers: ClinVar variation 2054983 (VCV002054983.4), dbSNP rs2491094003, ClinGen allele CA375443951.

ClinVar aggregate classification (germline): Uncertain significance (1 of 4 stars; one submission).

Conditions:
Ehlers-Danlos syndrome, classic type, 1 (EDSCL1). Also called: EHLERS-DANLOS SYNDROME, GRAVIS TYPE; EHLERS-DANLOS SYNDROME, SEVERE CLASSIC TYPE; Ehlers-Danlos syndrome, type 1; EDS I; Ehlers-Danlos Syndrome, Classic Type, COL5A1-Related. Identifiers: MedGen C0268335, MONDO:0019567, OMIM 130000.

Submission:

Labcorp Genetics (formerly Invitae), Labcorp
Classification: Uncertain significance for Ehlers-Danlos syndrome, classic type, 1. Last evaluated: 2021-12-23. Review status: criteria provided, single submitter. Criteria: Invitae Variant Classification Sherloc (09022015). Collection method: clinical testing. Allele origin: germline.
Comment: Algorithms developed to predict the effect of sequence changes on RNA splicing suggest that this variant may create or strengthen a splice site. This sequence change replaces leucine, which is neutral and non-polar, with glutamine, which is neutral and polar, at codon 24 of the COL5A1 protein (p.Leu24Gln). This variant is not present in population databases (gnomAD no frequency). This variant has not been reported in the literature in individuals affected with COL5A1-related conditions. Advanced modeling of protein sequence and biophysical properties (such as structural, functional, and spatial information, amino acid conservation, physicochemical variation, residue mobility, and thermodynamic stability) performed at Invitae indicates that this missense variant is not expected to disrupt COL5A1 protein function. In summary, the available evidence is currently insufficient to determine the role of this variant in disease. Therefore, it has been classified as a Variant of Uncertain Significance.